The following is an entry in ClinVar:

NM_006440.5(TXNRD2):c.264C>T (p.Asn88=)

Gene: TXNRD2 (thioredoxin reductase 2; minus strand). Cytogenetic location: 22q11.21.
Variant type: single nucleotide variant.
Coding change: c.264C>T on transcript NM_006440.5 (MANE Select); coding-DNA position 264, C replaced by T.
Protein change: p.Asn88=; no amino-acid change (asparagine 88 retained).
Molecular consequence: synonymous variant. On other transcripts: 5 prime UTR variant (1), non-coding transcript variant (1).
Genome position (GRCh38, 1-based): chr22:19,918,970, G>A on the plus strand (C>T on the coding strand, the complement: TXNRD2 is on the minus strand). VCF-style: chr22-19918970-G-A. GRCh37 (hg19) VCF-style: chr22-19906493-G-A.
Other names: c.264C>T, p.Asn88= (NM_001282512.3); c.261C>T, p.Asn87= (NM_001352300.2); c.174C>T, p.Asn58= (NM_001352301.2); c.-25C>T (NM_001352302.2); c.168C>T, p.Asn56= (NM_001352303.2).
Identifiers: ClinVar variation 699192 (VCV000699192.33), dbSNP rs575321083, ClinGen allele CA10104273.

ClinVar aggregate classification (germline): Likely benign. Review status: criteria provided, multiple submitters, no conflicts (2 of 4 stars). 3 submissions from 3 submitters: Likely benign (3). Last evaluated 2025-12-29.

Conditions:
Cardiovascular phenotype. Identifiers: MedGen CN230736.
Primary dilated cardiomyopathy (DCM). Also called: Dilated Cardiomyopathy. Identifiers: Orphanet 217604, MedGen C0007193, MeSH D002311, MONDO:0005021, HP:0001644. Inheritance: Various modes of inheritance.

Allele frequency attached by ClinVar (database versions not stated): gnomAD 0.00001; gnomAD exomes 0.00001 and 0.00003; ExAC 0.00003; 1000 Genomes Project 0.00020; 1000 Genomes Project 30x 0.00031.
gnomAD v4.1: 22 of 1,612,174 alleles (0.0014%); highest among the groups gnomAD compares: Middle Eastern, 0.017%; no homozygotes.

Submissions (3):

Labcorp Genetics (formerly Invitae), Labcorp
Classification: Likely benign for Primary dilated cardiomyopathy. Last evaluated: 2025-12-29. Review status: criteria provided, single submitter. Criteria: Invitae Variant Classification Sherloc (09022015). Collection method: clinical testing. Allele origin: germline.

CeGaT Center for Human Genetics Tuebingen
Classification: Likely benign. Last evaluated: 2023-11-01. Review status: criteria provided, single submitter. Criteria: CeGaT Center For Human Genetics Tuebingen Variant Classification Criteria Version 2. Collection method: clinical testing. Allele origin: germline. Affected: yes. Observed: 1 variant allele.
Comment: TXNRD2: BP4, BP7

Ambry Genetics
Classification: Likely benign for Cardiovascular phenotype. Last evaluated: 2022-02-16. Review status: criteria provided, single submitter. Criteria: Ambry Variant Classification Scheme 2023. Collection method: clinical testing. Allele origin: germline.